The following is an entry in ClinVar:

NM_174878.3(CLRN1):c.254-2139G>A

Gene: CLRN1 (clarin 1; minus strand). Cytogenetic location: 3q25.1.
Variant type: single nucleotide variant.
Coding change: c.254-2139G>A on transcript NM_174878.3 (MANE Select); 2139 bases into the intron before coding-DNA position 254, G replaced by A.
Molecular consequence: intron variant. On other transcripts: synonymous variant (1), 5 prime UTR variant (1).
Genome position (GRCh38, 1-based): chr3:150,943,900, C>T on the plus strand (G>A on the coding strand, the complement: CLRN1 is on the minus strand). VCF-style: chr3-150943900-C-T. GRCh37 (hg19) VCF-style: chr3-150661687-C-T.
Other names: c.345G>A, p.Thr115= (NM_001256819.2); c.-56G>A (NM_052995.2); c.254-2139G>A (NM_001195794.1).
Identifiers: ClinVar variation 3354538 (VCV003354538.1).

ClinVar aggregate classification (germline): Likely benign (0 of 4 stars; one submission).

Conditions:
CLRN1-related disorder. Also called: CLRN1-related condition.

gnomAD v4.1: 21 of 1,613,546 alleles (0.0013%); highest among the groups gnomAD compares: Middle Eastern, 0.016%; no homozygotes.

Submission:

PreventionGenetics, part of Exact Sciences
Classification: Likely benign for CLRN1-related condition. Last evaluated: 2024-09-18. Review status: no assertion criteria provided. Collection method: clinical testing. Allele origin: germline.
Comment: This variant is classified as likely benign based on ACMG/AMP sequence variant interpretation guidelines (Richards et al. 2015 PMID: 25741868, with internal and published modifications).